The following is an entry in ClinVar:

ClinVar aggregate classification (germline): Uncertain significance. Review status: criteria provided, multiple submitters, no conflicts (2 of 4 stars). 3 submissions from 3 submitters: Uncertain significance (3). Last evaluated 2025-07-01.

Conditions:
Acyl-CoA oxidase deficiency. Also called: STRAIGHT-CHAIN ACYL-CoA OXIDASE DEFICIENCY; Pseudoneonatal adrenoleukodystrophy; Peroxisomal acyl-CoA oxidase deficiency. Identifiers: Orphanet 2971, MedGen C1849678, MONDO:0009919, OMIM 264470. Disease mechanism: loss of function.
Inborn genetic diseases. Identifiers: MedGen C0950123, MeSH D030342.

Allele frequency attached by ClinVar (database versions not stated): ExAC 0.00002; gnomAD exomes 0.00002; TOPMed 0.00009; gnomAD 0.00010; ESP Exome Variant Server 0.00023.
gnomAD v4.1: 48 of 1,614,068 alleles (0.003%); highest among the groups gnomAD compares: African/African-American, 0.025%; no homozygotes.

Submissions (3):

Ambry Genetics
Classification: Uncertain significance for Inborn genetic diseases. Last evaluated: 2025-07-01. Review status: criteria provided, single submitter. Criteria: Ambry Variant Classification Scheme 2023. Collection method: clinical testing. Allele origin: germline.

Labcorp Genetics (formerly Invitae), Labcorp
Classification: Uncertain significance for Acyl-CoA oxidase deficiency. Last evaluated: 2022-08-22. Review status: criteria provided, single submitter. Criteria: Invitae Variant Classification Sherloc (09022015). Collection method: clinical testing. Allele origin: germline.
Comment: This sequence change replaces arginine, which is basic and polar, with cysteine, which is neutral and slightly polar, at codon 122 of the ACOX1 protein (p.Arg122Cys). This variant is present in population databases (rs146541521, gnomAD 0.02%). This variant has not been reported in the literature in individuals affected with ACOX1-related conditions. Algorithms developed to predict the effect of missense changes on protein structure and function (SIFT, PolyPhen-2, Align-GVGD) all suggest that this variant is likely to be disruptive. In summary, the available evidence is currently insufficient to determine the role of this variant in disease. Therefore, it has been classified as a Variant of Uncertain Significance.

Blueprint Genetics
Classification: Uncertain significance. Last evaluated: 2022-01-19. Review status: criteria provided, single submitter. Criteria: ACMG Guidelines, 2015. Collection method: clinical testing. Allele origin: germline.

NM_004035.7(ACOX1):c.364C>T (p.Arg122Cys)

Gene: ACOX1 (acyl-CoA oxidase 1; minus strand). Cytogenetic location: 17q25.1.
Variant type: single nucleotide variant.
Coding change: c.364C>T on transcript NM_004035.7 (MANE Select); coding-DNA position 364, C replaced by T.
Protein change: p.Arg122Cys; replaces arginine 122 with cysteine.
Molecular consequence: missense variant. On other transcripts: intron variant (1).
Genome position (GRCh38, 1-based): chr17:75,960,281, G>A on the plus strand (C>T on the coding strand, the complement: ACOX1 is on the minus strand). VCF-style: chr17-75960281-G-A. GRCh37 (hg19) VCF-style: chr17-73956362-G-A.
Other names: c.250C>T, p.Arg84Cys (NM_001185039.2); c.431-2715C>T (NM_007292.6); short protein forms R84C, R122C.
Identifiers: ClinVar variation 2078714 (VCV002078714.4), dbSNP rs146541521, ClinGen allele CA8777041.
Genomic context (GRCh38, chr17:75,960,281, plus strand): 5'-CCATCTCTGTCTGGGCATAAGTGCCAATGATCTCCAAGTTCCAGGCGGGCATGAAGAAGC[G>A]CTCCTGCTGCTCCGCAGTTGCCTGGTGAAGCAAGGTGGGCAGGAACATGCCCAAGTGAAG-3'
Protein context (NP_004026.2, residues 112-132): LHQATAEQQE[Arg122Cys]FFMPAWNLEI